The following is an entry in ClinVar:

ClinVar aggregate classification (germline): Uncertain significance. Review status: criteria provided, multiple submitters, no conflicts (2 of 4 stars). 2 submissions from 2 submitters: Uncertain significance (2). Last evaluated 2025-08-18.

Conditions:
Cardiomyopathy (CMYO). Also called: Cardiomyopathies. Identifiers: Orphanet 167848, MedGen C0878544, MONDO:0004994, HP:0001638. Inheritance: Various modes of inheritance.
Arrhythmogenic right ventricular dysplasia 9 (ARVD9). Also called: Arrhythmogenic Right Ventricular Dysplasia/Cardiomyopathy 9; ARRHYTHMOGENIC RIGHT VENTRICULAR DYSPLASIA, FAMILIAL, 9. Identifiers: MedGen C1836906, MONDO:0012180, OMIM 609040.

gnomAD v4.1: 3 of 1,614,184 alleles (0.00019%); highest among the groups gnomAD compares: South Asian, 0.0011%; no homozygotes.

Submissions (2):

Labcorp Genetics (formerly Invitae), Labcorp
Classification: Uncertain significance for Arrhythmogenic right ventricular dysplasia 9. Last evaluated: 2025-08-18. Review status: criteria provided, single submitter. Criteria: Invitae Variant Classification Sherloc (09022015). Collection method: clinical testing. Allele origin: germline.
Comment: This sequence change replaces glycine, which is neutral and non-polar, with aspartic acid, which is acidic and polar, at codon 224 of the PKP2 protein (p.Gly224Asp). This variant is not present in population databases (gnomAD no frequency). This variant has not been reported in the literature in individuals affected with PKP2-related conditions. ClinVar contains an entry for this variant (Variation ID: 941437). An algorithm developed to predict the effect of missense changes on protein structure and function (PolyPhen-2) suggests that this variant is likely to be tolerated. In summary, the available evidence is currently insufficient to determine the role of this variant in disease. Therefore, it has been classified as a Variant of Uncertain Significance.

Color Diagnostics, LLC DBA Color Health
Classification: Uncertain significance for Cardiomyopathy. Last evaluated: 2024-07-15. Review status: criteria provided, single submitter. Criteria: ACMG Guidelines, 2015. Collection method: clinical testing. Allele origin: germline.
Comment: This missense variant replaces glycine with aspartic acid at codon 224 of the PKP2 protein. Computational prediction suggests that this variant may not impact protein structure and function (internally defined REVEL score threshold <= 0.5, PMID: 27666373). To our knowledge, functional studies have not been reported for this variant. This variant has not been reported in individuals affected with PKP2-related disorders in the literature. This variant has not been identified in the general population by the Genome Aggregation Database (gnomAD). The available evidence is insufficient to determine the role of this variant in disease conclusively. Therefore, this variant is classified as a Variant of Uncertain Significance.

NM_001005242.3(PKP2):c.671G>A (p.Gly224Asp)

Gene: PKP2 (plakophilin 2; minus strand). Cytogenetic location: 12p11.21.
Variant type: single nucleotide variant.
Coding change: c.671G>A on transcript NM_001005242.3 (MANE Select); coding-DNA position 671, G replaced by A.
Protein change: p.Gly224Asp; replaces glycine 224 with aspartic acid.
Molecular consequence: missense variant.
Genome position (GRCh38, 1-based): chr12:32,878,209, C>T on the plus strand (G>A on the coding strand, the complement: PKP2 is on the minus strand). VCF-style: chr12-32878209-C-T. GRCh37 (hg19) VCF-style: chr12-33031143-C-T.
Other names: c.671G>A, p.Gly224Asp (NM_004572.4); short protein forms G224D.
Identifiers: ClinVar variation 941437 (VCV000941437.10), dbSNP rs942876582, ClinGen allele CA384363539.